The following is an entry in ClinVar:

NM_000051.4(ATM):c.7779G>C (p.Gln2593His)

Genes: ATM (ATM serine/threonine kinase; plus strand), C11orf65 (chromosome 11 open reading frame 65; minus strand). Cytogenetic location: 11q22.3.
Variant type: single nucleotide variant.
Coding change: c.7779G>C on transcript NM_000051.4 (MANE Select); coding-DNA position 7779, G replaced by C.
Protein change: p.Gln2593His; replaces glutamine 2593 with histidine.
Molecular consequence: missense variant. On other transcripts: intron variant (2).
Genome position (GRCh38, 1-based): chr11:108,332,028, G>C. VCF-style: chr11-108332028-G-C. GRCh37 (hg19) VCF-style: chr11-108202755-G-C.
Other names: c.7779G>C, p.Gln2593His (NM_001351834.2); c.641-22957C>G (NM_001330368.2); c.*38+3192C>G (NM_001351110.2); short protein forms Q2593H.
Identifiers: ClinVar variation 2747515 (VCV002747515.3), dbSNP rs770321620, ClinGen allele CA382561202.

ClinVar aggregate classification (germline): Uncertain significance (1 of 4 stars; one submission).

Conditions:
Ataxia-telangiectasia syndrome (AT). Also called: LOUIS-BAR SYNDROME; Cerebello-oculocutaneous telangiectasia; Immunodeficiency with ataxia telangiectasia; Ataxia telangiectasia (A-T); Ataxia-telangiectasia, complementation group D; AT, COMPLEMENTATION GROUP C. Identifiers: Orphanet 100, MedGen C0004135, MONDO:0008840, OMIM 208900.

Submission:

Labcorp Genetics (formerly Invitae), Labcorp
Classification: Uncertain significance for Ataxia-telangiectasia syndrome. Last evaluated: 2023-07-28. Review status: criteria provided, single submitter. Criteria: Invitae Variant Classification Sherloc (09022015). Collection method: clinical testing. Allele origin: germline.
Comment: In summary, the available evidence is currently insufficient to determine the role of this variant in disease. Therefore, it has been classified as a Variant of Uncertain Significance. An algorithm developed to predict the effect of missense changes on protein structure and function (PolyPhen-2) suggests that this variant is likely to be tolerated. This variant has not been reported in the literature in individuals affected with ATM-related conditions. This sequence change replaces glutamine, which is neutral and polar, with histidine, which is basic and polar, at codon 2593 of the ATM protein (p.Gln2593His). This variant is not present in population databases (gnomAD no frequency).